The following is an entry in ClinVar:

ClinVar aggregate classification (germline): Uncertain significance (1 of 4 stars; one submission).

Conditions:
Inborn genetic diseases. Identifiers: MedGen C0950123, MeSH D030342.

Allele frequency attached by ClinVar (database versions not stated): gnomAD exomes below 0.00001.

Submission:

Ambry Genetics
Classification: Uncertain significance for Inborn genetic diseases. Last evaluated: 2023-05-06. Review status: criteria provided, single submitter. Criteria: Ambry Variant Classification Scheme 2023. Collection method: clinical testing. Allele origin: germline.
Comment: The c.5595C>G (p.D1865E) alteration is located in exon 10 (coding exon 10) of the PRR12 gene. This alteration results from a C to G substitution at nucleotide position 5595, causing the aspartic acid (D) at amino acid position 1865 to be replaced by a glutamic acid (E). This variant was not reported in population-based cohorts in the Genome Aggregation Database (gnomAD). This amino acid position is highly conserved in available vertebrate species. This alteration is predicted to be tolerated by in silico analysis. Based on insufficient or conflicting evidence, the clinical significance of this alteration remains unclear.

NM_020719.3(PRR12):c.5595C>G (p.Asp1865Glu)

Gene: PRR12 (proline rich 12; plus strand). Cytogenetic location: 19q13.33.
Variant type: single nucleotide variant.
Coding change: c.5595C>G on transcript NM_020719.3 (MANE Select); coding-DNA position 5595, C replaced by G.
Protein change: p.Asp1865Glu; replaces aspartic acid 1865 with glutamic acid.
Molecular consequence: missense variant.
Genome position (GRCh38, 1-based): chr19:49,620,449, C>G. VCF-style: chr19-49620449-C-G. GRCh37 (hg19) VCF-style: chr19-50123706-C-G.
Other names: short protein forms D1865E.
Identifiers: ClinVar variation 2520826 (VCV002520826.2), dbSNP rs968024695, ClinGen allele CA309491128.